The following is an entry in ClinVar:

ClinVar aggregate classification (germline): Benign (1 of 4 stars; one submission).

Allele frequency attached by ClinVar (database versions not stated): gnomAD 0.02229; TOPMed 0.02499; 1000 Genomes Project 0.02536; 1000 Genomes Project 30x 0.02670.
gnomAD v4.1: 3,596 of 148,076 alleles (2.4%); highest among the groups gnomAD compares: African/African-American, 7.2%; 127 homozygotes.

Submission:

GeneDx
Classification: Benign. Last evaluated: 2018-06-14. Review status: criteria provided, single submitter. Criteria: GeneDx Variant Classification (06012015). Collection method: clinical testing. Allele origin: germline. Affected: yes.
Comment: This variant is considered likely benign or benign based on one or more of the following criteria: it is a conservative change, it occurs at a poorly conserved position in the protein, it is predicted to be benign by multiple in silico algorithms, and/or has population frequency not consistent with disease.

NM_001851.6(COL9A1):c.1066-218A>T

Gene: COL9A1 (collagen type IX alpha 1 chain; minus strand). Cytogenetic location: 6q13.
Variant type: single nucleotide variant.
Coding change: c.1066-218A>T on transcript NM_001851.6 (MANE Select); 218 bases into the intron before coding-DNA position 1066, A replaced by T.
Molecular consequence: intron variant.
Genome position (GRCh38, 1-based): chr6:70,272,306, T>A on the plus strand (A>T on the coding strand, the complement: COL9A1 is on the minus strand). VCF-style: chr6-70272306-T-A. GRCh37 (hg19) VCF-style: chr6-70982009-T-A.
Other names: c.337-218A>T (NM_001377290.1, NM_078485.4, NM_001377289.1).
Identifiers: ClinVar variation 678037 (VCV000678037.1), dbSNP rs78944678, ClinGen allele CA140880942.